The following is an entry in ClinVar:

NM_015338.6(ASXL1):c.1781G>A (p.Cys594Tyr)

Gene: ASXL1 (ASXL transcriptional regulator 1; plus strand). Cytogenetic location: 20q11.21.
Variant type: single nucleotide variant.
Coding change: c.1781G>A on transcript NM_015338.6 (MANE Select); coding-DNA position 1781, G replaced by A.
Protein change: p.Cys594Tyr; replaces cysteine 594 with tyrosine.
Molecular consequence: missense variant.
Genome position (GRCh38, 1-based): chr20:32,434,493, G>A. VCF-style: chr20-32434493-G-A. GRCh37 (hg19) VCF-style: chr20-31022296-G-A.
Other names: c.1598G>A, p.Cys533Tyr (NM_001363734.1); short protein forms C533Y, C594Y.
Identifiers: ClinVar variation 3955059 (VCV003955059.1).

ClinVar aggregate classification (germline): Uncertain significance (1 of 4 stars; one submission).

Conditions:
Inborn genetic diseases. Identifiers: MedGen C0950123, MeSH D030342.

gnomAD v4.1: 3 of 1,614,042 alleles (0.00019%); highest among the groups gnomAD compares: South Asian, 0.0011%; no homozygotes.

Submission:

Ambry Genetics
Classification: Uncertain significance for Inborn genetic diseases. Last evaluated: 2025-03-22. Review status: criteria provided, single submitter. Criteria: Ambry Variant Classification Scheme 2023. Collection method: clinical testing. Allele origin: germline.
Comment: The p.C594Y variant (also known as c.1781G>A), located in coding exon 13 of the ASXL1 gene, results from a G to A substitution at nucleotide position 1781. The cysteine at codon 594 is replaced by tyrosine, an amino acid with highly dissimilar properties. This amino acid position is conserved. In addition, the in silico prediction for this alteration is inconclusive. Based on the available evidence, the clinical significance of this variant remains unclear.